The following is an entry in ClinVar:

NM_003227.4(TFR2):c.401_402dup (p.Leu135fs)

Gene: TFR2 (transferrin receptor 2; minus strand). Cytogenetic location: 7q22.1.
Variant type: Duplication.
Coding change: c.401_402dup on transcript NM_003227.4 (MANE Select); coding-DNA positions 401 to 402, 2 bases duplicated (GA; older notation c.401_402dupGA).
Protein change: p.Leu135fs; shifts the reading frame from leucine 135.
Molecular consequence: frameshift variant.
Genome position (GRCh38, 1-based): chr7:100,640,757-100,640,758, TC duplicated on the plus strand (GA on the coding strand, the reverse complement: TFR2 is on the minus strand); duplicating any 2 consecutive bases within chr7:100,640,757-100,640,759 gives the same sequence; the c. name uses the placement nearest the transcript's 3' end. VCF-style (leftmost placement, unchanged base first): chr7-100640756-G-GTC. GRCh37 (hg19) VCF-style: chr7-100238379-G-GTC.
Other names: short protein forms L135fs.
Identifiers: ClinVar variation 652249 (VCV000652249.6), dbSNP rs1388444100, ClinGen allele CA830510109.
Genomic context (GRCh38, chr7:100,640,756, plus strand): 5'-CCTCCAGGCGCCCCTCCCCCAGGAACTGCAGGAACATGGCCTGGAGGTCGCTCCAGTAGA[G>GTC]TCTGCCCTGGTGGAAATCCAGGTCAGGCTCATAGTTGACATCCTCACTGACCACCAACAC-3'

ClinVar aggregate classification (germline): Pathogenic (1 of 4 stars; one submission).

Conditions:
Hereditary hemochromatosis (HFE). Identifiers: MedGen C0392514, MONDO:0006507. Disease mechanism: loss of function.

Submission:

Labcorp Genetics (formerly Invitae), Labcorp
Classification: Pathogenic for Hereditary hemochromatosis. Last evaluated: 2018-10-30. Review status: criteria provided, single submitter. Criteria: Invitae Variant Classification Sherloc (09022015). Collection method: clinical testing. Allele origin: germline.
Comment: For these reasons, this variant has been classified as Pathogenic. Loss-of-function variants in TFR2 are known to be pathogenic (PMID: 23600741, 26029709). This variant has not been reported in the literature in individuals with TFR2-related disease. This variant is not present in population databases (ExAC no frequency). This sequence change creates a premature translational stop signal (p.Leu135Aspfs*42) in the TFR2 gene. It is expected to result in an absent or disrupted protein product.

Literature cited by the submitters: PubMed 23600741; PubMed 26029709.